The following is an entry in ClinVar:

NM_018699.4(PRDM5):c.106G>C (p.Gly36Arg)

Gene: PRDM5 (PR/SET domain 5; minus strand). Cytogenetic location: 4q27.
Variant type: single nucleotide variant.
Coding change: c.106G>C on transcript NM_018699.4 (MANE Select); coding-DNA position 106, G replaced by C.
Protein change: p.Gly36Arg; replaces glycine 36 with arginine.
Molecular consequence: missense variant.
Genome position (GRCh38, 1-based): chr4:120,907,545, C>G on the plus strand (G>C on the coding strand, the complement: PRDM5 is on the minus strand). VCF-style: chr4-120907545-C-G. GRCh37 (hg19) VCF-style: chr4-121828700-C-G.
Other names: c.106G>C, p.Gly36Arg (NM_001300823.2, NM_001300824.2, NM_001379104.1 and 1 more transcripts); short protein forms G36R.
Identifiers: ClinVar variation 1783078 (VCV001783078.2), dbSNP rs374583073, ClinGen allele CA358209685.
Genomic context (GRCh38, chr4:120,907,545, plus strand): 5'-ACCTGTAATCCATATTTTCATCCAAGTCTTCAGGCATTCTCTTCTCTCCAGCAAAGGGTC[C>G]GAACTTTTCACCCTGAGTAGCAATGATTATATTGAACAAGGATTAGTACAATAAATCAAC-3'
Protein context (NP_061169.2, residues 26-46): ARRVRKGEKF[Gly36Arg]PFAGEKRMPE

ClinVar aggregate classification (germline): Uncertain significance (1 of 4 stars; one submission).

Conditions:
Cardiovascular phenotype. Identifiers: MedGen CN230736.

gnomAD v4.1: 1 of 1,611,136 alleles (0.000062%); highest among the groups gnomAD compares: Non-Finnish European, 0.000085%; no homozygotes.

Submission:

Ambry Genetics
Classification: Uncertain significance for Cardiovascular phenotype. Last evaluated: 2021-06-22. Review status: criteria provided, single submitter. Criteria: Ambry Variant Classification Scheme 2023. Collection method: clinical testing. Allele origin: germline.
Comment: The p.G36R variant (also known as c.106G>C), located in coding exon 2 of the PRDM5 gene, results from a G to C substitution at nucleotide position 106. The glycine at codon 36 is replaced by arginine, an amino acid with dissimilar properties. This amino acid position is conserved. In addition, this alteration is predicted to be deleterious by in silico analysis. Since supporting evidence is limited at this time, the clinical significance of this alteration remains unclear.